The following is an entry in ClinVar:

NM_000465.4(BARD1):c.609A>G (p.Gly203=)

Gene: BARD1 (BRCA1 associated RING domain 1; minus strand). Cytogenetic location: 2q35.
Variant type: single nucleotide variant.
Coding change: c.609A>G on transcript NM_000465.4 (MANE Select); coding-DNA position 609, A replaced by G.
Protein change: p.Gly203=; no amino-acid change (glycine 203 retained).
Molecular consequence: synonymous variant. On other transcripts: non-coding transcript variant (2), intron variant (3).
Genome position (GRCh38, 1-based): chr2:214,781,265, T>C on the plus strand (A>G on the coding strand, the complement: BARD1 is on the minus strand). VCF-style: chr2-214781265-T-C. GRCh37 (hg19) VCF-style: chr2-215645989-T-C.
Other names: c.552A>G, p.Gly184= (NM_001282543.2); c.158+28147A>G (NM_001282548.2); c.215+15796A>G (NM_001282545.2); c.364+11032A>G (NM_001282549.2).
Identifiers: ClinVar variation 220256 (VCV000220256.22), dbSNP rs28997574, ClinGen allele CA349998.

ClinVar aggregate classification (germline): Benign/Likely benign. Review status: criteria provided, multiple submitters, no conflicts (2 of 4 stars). 7 submissions from 7 submitters: Benign (1); Likely benign (6). Last evaluated 2026-01-25.

Conditions:
Hereditary cancer-predisposing syndrome. Also called: Hereditary neoplastic syndrome; Tumor predisposition; Hereditary Cancer Syndrome; Neoplastic Syndromes, Hereditary. Identifiers: Orphanet 140162, MedGen C0027672, MeSH D009386, MONDO:0015356.
Familial cancer of breast. Also called: hereditary breast carcinoma; Hereditary breast cancer; BREAST CANCER, FAMILIAL. Identifiers: Orphanet 227535, MedGen C0346153, MONDO:0016419, OMIM 114480. Disease mechanism: loss of function.

Allele frequency attached by ClinVar (database versions not stated): TOPMed 0.00002.
gnomAD v4.1: 4 of 1,596,216 alleles (0.00025%); highest among the groups gnomAD compares: African/African-American, 0.0014%; no homozygotes.

Submissions (7):

Labcorp Genetics (formerly Invitae), Labcorp
Classification: Likely benign for Familial cancer of breast. Last evaluated: 2026-01-25. Review status: criteria provided, single submitter. Criteria: Invitae Variant Classification Sherloc (09022015). Collection method: clinical testing. Allele origin: germline.

Myriad Genetics, Inc.
Classification: Benign for Familial cancer of breast. Last evaluated: 2024-07-22. Review status: criteria provided, single submitter. Criteria: Myriad Autosomal Dominant, Autosomal Recessive and X-Linked Classification Criteria (2023). Collection method: clinical testing. Allele origin: unknown.
Comment: This variant is considered benign. This variant is a silent/synonymous amino acid change and it is not expected to impact splicing.

Sema4
Classification: Likely benign for Hereditary cancer-predisposing syndrome. Last evaluated: 2022-03-10. Review status: criteria provided, single submitter. Criteria: Sema4 Curation Guidelines. Collection method: curation. Allele origin: germline.

GeneDx
Classification: Likely benign. Last evaluated: 2019-01-03. Review status: criteria provided, single submitter. Criteria: GeneDx Variant Classification Process June 2021. Collection method: clinical testing. Allele origin: germline. Affected: yes.
Comment: This variant is associated with the following publications: (PMID: 15342711, 19197335, 17972171)

Color Diagnostics, LLC DBA Color Health
Classification: Likely benign for Hereditary cancer-predisposing syndrome. Last evaluated: 2017-10-23. Review status: criteria provided, single submitter. Criteria: ACMG Guidelines, 2015. Collection method: clinical testing. Allele origin: germline.

Quest Diagnostics Nichols Institute San Juan Capistrano
Classification: Likely benign. Last evaluated: 2016-09-09. Review status: criteria provided, single submitter. Criteria: Quest Diagnostics criteria. Collection method: clinical testing. Allele origin: germline.

Ambry Genetics
Classification: Likely benign for Hereditary cancer-predisposing syndrome. Last evaluated: 2015-01-09. Review status: criteria provided, single submitter. Criteria: Ambry Variant Classification Scheme 2023. Collection method: clinical testing. Allele origin: germline.